The following is an entry in ClinVar:

ClinVar aggregate classification (germline): Uncertain significance (1 of 4 stars; one submission).

Conditions:
Neonatal encephalomyopathy-cardiomyopathy-respiratory distress syndrome. Also called: Coenzyme Q10 deficiency, primary, 7. Identifiers: Orphanet 457185, MedGen C5568562, MONDO:0014562, OMIM 616276.

Allele frequency attached by ClinVar (database versions not stated): ExAC 0.00001; gnomAD exomes 0.00001 and below 0.00001; gnomAD 0.00008 and 0.00001; TOPMed 0.00006; ESP Exome Variant Server 0.00008.
gnomAD v4.1: 18 of 1,614,046 alleles (0.0011%); highest among the groups gnomAD compares: East Asian, 0.0022%; no homozygotes.

Submission:

Labcorp Genetics (formerly Invitae), Labcorp
Classification: Uncertain significance for Neonatal encephalomyopathy-cardiomyopathy-respiratory distress syndrome. Last evaluated: 2023-08-04. Review status: criteria provided, single submitter. Criteria: Invitae Variant Classification Sherloc (09022015). Collection method: clinical testing. Allele origin: germline.
Comment: In summary, the available evidence is currently insufficient to determine the role of this variant in disease. Therefore, it has been classified as a Variant of Uncertain Significance. Algorithms developed to predict the effect of sequence changes on RNA splicing suggest that this variant may disrupt the consensus splice site. ClinVar contains an entry for this variant (Variation ID: 476180). This variant has not been reported in the literature in individuals affected with COQ4-related conditions. This variant is present in population databases (rs375096994, gnomAD 0.01%). This sequence change affects codon 125 of the COQ4 mRNA. It is a 'silent' change, meaning that it does not change the encoded amino acid sequence of the COQ4 protein.

NM_016035.5(COQ4):c.375C>T (p.Arg125=)

Gene: COQ4 (coenzyme Q4; plus strand). Cytogenetic location: 9q34.11.
Variant type: single nucleotide variant.
Coding change: c.375C>T on transcript NM_016035.5 (MANE Select); coding-DNA position 375, C replaced by T.
Protein change: p.Arg125=; no amino-acid change (arginine 125 retained).
Molecular consequence: synonymous variant. On other transcripts: missense variant (1).
Genome position (GRCh38, 1-based): chr9:128,325,854, C>T. VCF-style: chr9-128325854-C-T. GRCh37 (hg19) VCF-style: chr9-131088133-C-T.
Other names: c.278C>T, p.Ala93Val (NM_001305942.2); short protein forms A93V.
Identifiers: ClinVar variation 476180 (VCV000476180.8), dbSNP rs375096994, ClinGen allele CA5260536.